The following is an entry in ClinVar:

ClinVar aggregate classification (germline): Uncertain significance. Review status: criteria provided, multiple submitters, no conflicts (2 of 4 stars). 2 submissions from 2 submitters: Uncertain significance (2). Last evaluated 2023-10-03.

Conditions:
Mitochondrial DNA depletion syndrome 13. Also called: FBXL4-Related Encephalomyopathic Mitochondrial DNA Depletion Syndrome; Mitochondrial DNA depletion syndrome 13 (encephalomyopathic type). Identifiers: Orphanet 369897, MedGen C3809592, MONDO:0014198, OMIM 615471.

Allele frequency attached by ClinVar (database versions not stated): gnomAD 0.00003; gnomAD exomes 0.00005 and 0.00009; ExAC 0.00006; TOPMed 0.00010.
gnomAD v4.1: 142 of 1,613,972 alleles (0.0088%); highest among the groups gnomAD compares: Middle Eastern, 0.016%; no homozygotes.

Submissions (2):

Labcorp Genetics (formerly Invitae), Labcorp
Classification: Uncertain significance. Last evaluated: 2023-10-03. Review status: criteria provided, single submitter. Criteria: Invitae Variant Classification Sherloc (09022015). Collection method: clinical testing. Allele origin: germline.
Comment: This sequence change replaces arginine, which is basic and polar, with tryptophan, which is neutral and slightly polar, at codon 20 of the FBXL4 protein (p.Arg20Trp). This variant is present in population databases (rs758088733, gnomAD 0.008%). This variant has not been reported in the literature in individuals affected with FBXL4-related conditions. ClinVar contains an entry for this variant (Variation ID: 437524). Advanced modeling of protein sequence and biophysical properties (such as structural, functional, and spatial information, amino acid conservation, physicochemical variation, residue mobility, and thermodynamic stability) performed at Invitae indicates that this missense variant is expected to disrupt FBXL4 protein function. In summary, the available evidence is currently insufficient to determine the role of this variant in disease. Therefore, it has been classified as a Variant of Uncertain Significance.

Wong Mito Lab, Molecular and Human Genetics, Baylor College of Medicine
Classification: Uncertain significance for Mitochondrial DNA depletion syndrome 13. Last evaluated: 2017-08-10. Review status: criteria provided, single submitter. Criteria: ACMG Guidelines, 2015. Collection method: reference population. Allele origin: germline.
Comment: The NM_012160.4:c.58C>T (NP_036292.2:p.Arg20Trp) [GRCH38: NC_000006.12:g.98926931G>A] variant in FBXL4 gene is interpretated to be a Uncertain Significance - Insufficient Evidence based on ACMG guidelines (PMID: 25741868). This variant meets one or more of the following evidence codes reported in the ACMG-guideline. PM2:This variant is absent in key population databases. PP3:Computational evidence/predictors indicate the variant has deleterious effect on FBXL4 structure, function, or protein-protein interaction. Based on this evidence code ClinGen Pathogenicity Calculator (PMID:28081714) suggested that the variant is Uncertain Significance - Insufficient Evidence.

NM_001278716.2(FBXL4):c.58C>T (p.Arg20Trp)

Gene: FBXL4 (F-box and leucine rich repeat protein 4; minus strand). Cytogenetic location: 6q16.2.
Variant type: single nucleotide variant.
Coding change: c.58C>T on transcript NM_001278716.2 (MANE Select); coding-DNA position 58, C replaced by T.
Protein change: p.Arg20Trp; replaces arginine 20 with tryptophan.
Molecular consequence: missense variant. On other transcripts: non-coding transcript variant (2).
Genome position (GRCh38, 1-based): chr6:98,926,931, G>A on the plus strand (C>T on the coding strand, the complement: FBXL4 is on the minus strand). VCF-style: chr6-98926931-G-A. GRCh37 (hg19) VCF-style: chr6-99374807-G-A.
Other names: c.58C>T, p.Arg20Trp (NM_012160.5); short protein forms R20W.
Identifiers: ClinVar variation 437524 (VCV000437524.4), dbSNP rs758088733, ClinGen allele CA3933750.
Genomic context (GRCh38, chr6:98,926,931, plus strand): 5'-ATTCTATAGCTCTATGGGTGTTCATCATTTCTCCTCTTGTAGCTGTCCTGGCTCGGCGCC[G>A]AAGGCATATATAATAAAACATGGTCAGAACTGTTAACATGGGAAAGACCGGTGACATCTA-3'
Protein context (NP_001265645.1, residues 10-30): VLTMFYYICL[Arg20Trp]RRARTATRGE